The following is an entry in ClinVar:

NM_000368.5(TSC1):c.532G>A (p.Val178Ile)

Gene: TSC1 (TSC complex subunit 1; minus strand). Cytogenetic location: 9q34.13.
Variant type: single nucleotide variant.
Coding change: c.532G>A on transcript NM_000368.5 (MANE Select); coding-DNA position 532, G replaced by A.
Protein change: p.Val178Ile; replaces valine 178 with isoleucine.
Molecular consequence: missense variant.
Genome position (GRCh38, 1-based): chr9:132,921,950, C>T on the plus strand (G>A on the coding strand, the complement: TSC1 is on the minus strand). VCF-style: chr9-132921950-C-T. GRCh37 (hg19) VCF-style: chr9-135797337-C-T.
Other names: c.532G>A, p.Val178Ile (NM_001162426.2); c.379G>A, p.Val127Ile (NM_001162427.2); c.169G>A, p.Val57Ile (NM_001362177.2); short protein forms V178I, V57I, V127I.
Identifiers: ClinVar variation 49053 (VCV000049053.80), dbSNP rs118203395, ClinGen allele CA007701.
Genomic context (GRCh38, chr9:132,921,950, plus strand): 5'-TGCAAGGGTACATTCCATAAAGGCGATGAAAGAGTGCGTACACACTGGCATGGAGATGGA[C>T]GAGATAGACTTCCGCCACGTGGCCTAGAAAAGGAACCCGTTGAGAAGAGCCTCTTAGTTG-3'
Protein context (NP_000359.1, residues 168-188): KPGHVAEVYL[Val178Ile]HLHASVYALF

ClinVar aggregate classification (germline): Conflicting classifications of pathogenicity. Review status: criteria provided, conflicting classifications (1 of 4 stars). 22 submissions from 21 submitters: Uncertain significance (3); Benign (7); Likely benign (7). 5 of the submissions do not count toward it. Last evaluated 2026-02-03.

Conditions:
TSC1-related disorder. Also called: TSC1-related condition.
Hereditary cancer-predisposing syndrome. Also called: Hereditary Cancer Syndrome; Tumor predisposition; Neoplastic Syndromes, Hereditary; Hereditary neoplastic syndrome. Identifiers: Orphanet 140162, MedGen C0027672, MeSH D009386, MONDO:0015356.
Lymphangiomyomatosis (LAM). Also called: Lymphangioleiomyomatosis; Lymphangioleiomyomatosis, somatic. Identifiers: Orphanet 538, MedGen C0751674, MONDO:0011705, OMIM 606690.
Isolated focal cortical dysplasia type II (FCORD2). Also called: CORTICAL DYSPLASIA OF TAYLOR; Focal cortical dysplasia type II. Identifiers: Orphanet 268994, MedGen C1846385, MONDO:0011818, OMIM 607341, HP:0032051.
Tuberous sclerosis 1 (TSC1). Identifiers: Orphanet 805, MedGen C1854465, MONDO:0008612, OMIM 191100.
Tuberous sclerosis syndrome (TSC). Also called: Tuberous Sclerosis Complex; Tuberous sclerosis. Identifiers: Orphanet 805, MedGen C0041341, MONDO:0001734.

Allele frequency attached by ClinVar (database versions not stated): TOPMed 0.00012; gnomAD 0.00013 and 0.00014; gnomAD exomes 0.00019; ExAC 0.00019.
gnomAD v4.1: 266 of 1,613,958 alleles (0.016%); highest among the groups gnomAD compares: Non-Finnish European, 0.021%; 1 homozygote.

Submissions (22):

Labcorp Genetics (formerly Invitae), Labcorp
Classification: Benign for Tuberous sclerosis 1. Last evaluated: 2026-02-03. Review status: criteria provided, single submitter. Criteria: Invitae Variant Classification Sherloc (09022015). Collection method: clinical testing. Allele origin: germline.

Myriad Genetics, Inc.
Classification: Benign for Tuberous sclerosis 1. Last evaluated: 2026-01-27. Review status: criteria provided, single submitter. Criteria: Myriad Autosomal Dominant, Autosomal Recessive and X-Linked Classification Criteria (2023). Collection method: clinical testing. Allele origin: unknown.
Comment: This variant is considered benign. This variant has been observed at a population frequency that is significantly greater than expected given the associated disease prevalence and penetrance. Homozygosity has been confirmed in one or more individuals. As homozygosity for pathogenic variants in this gene is generally assumed to result in embryonic lethality, this variant is unlikely to be pathogenic.

CeGaT Center for Human Genetics Tuebingen
Classification: Likely benign. Last evaluated: 2026-01-01. Review status: criteria provided, single submitter. Criteria: CeGaT Center For Human Genetics Tuebingen Variant Classification Criteria Version 2. Collection method: clinical testing. Allele origin: germline. Affected: yes. Observed: 7 variant alleles.
Comment: TSC1: BP5, BS2

Women's Health and Genetics/Laboratory Corporation of America, LabCorp
Classification: Likely benign. Last evaluated: 2025-10-07. Review status: criteria provided, single submitter. Criteria: LabCorp Variant Classification Summary - May 2015. Collection method: clinical testing. Allele origin: germline.
Comment: Variant summary: TSC1 c.532G>A (p.Val178Ile) results in a conservative amino acid change in the encoded protein sequence. Algorithms developed to predict the effect of missense changes on protein structure and function are either unavailable or do not agree on the potential impact of this missense change. The variant allele was found at a frequency of 0.00019 in 251432 control chromosomes, predominantly at a frequency of 0.0004 within the Non-Finnish European subpopulation in the gnomAD database. The observed variant frequency within Non-Finnish European control individuals in the gnomAD database exceeds the estimated maximal expected allele frequency for disease-causing variants in TSC1. c.532G>A has been observed in an individual(s) affected with Tuberous Sclerosis Complex but did not cosegregate with disease (e.g., Ali_1998). This report does not provide unequivocal conclusions about association of the variant with Tuberous Sclerosis Complex. To our knowledge, no experimental evidence demonstrating an impact on protein function has been reported. The following publication has been ascertained in the context of this evaluation (PMID: 9863590). ClinVar contains an entry for this variant (Variation ID: 49053). Based on the evidence outlined above, the variant was classified as likely benign.

Laboratory of Genetics, Children's Clinical University Hospital Latvia
Classification: Likely benign. Last evaluated: 2025-02-16. Review status: criteria provided, single submitter. Criteria: ACMG Guidelines, 2015. Collection method: clinical testing. Allele origin: germline. Affected: yes.

Blueprint Genetics
Classification: Likely benign. Last evaluated: 2024-11-13. Review status: criteria provided, single submitter. Criteria: ACMG Guidelines, 2015. Collection method: clinical testing. Allele origin: germline.

Department of Pathology and Laboratory Medicine, Sinai Health System
Classification: Likely benign for Tuberous sclerosis 1; Lymphangiomyomatosis; Isolated focal cortical dysplasia type II. Last evaluated: 2024-10-02. Review status: criteria provided, single submitter. Criteria: ACMG Guidelines, 2015. Collection method: clinical testing. Allele origin: germline.

Color Diagnostics, LLC DBA Color Health
Classification: Benign for Tuberous sclerosis syndrome. Last evaluated: 2022-05-19. Review status: criteria provided, single submitter. Criteria: ACMG Guidelines, 2015. Collection method: clinical testing. Allele origin: germline.

Genome-Nilou Lab
Classification: Benign for Tuberous sclerosis 1. Last evaluated: 2021-11-07. Review status: criteria provided, single submitter. Criteria: ACMG Guidelines, 2015. Collection method: clinical testing. Allele origin: germline. Affected: no.

Institute for Clinical Genetics, University Hospital TU Dresden, University Hospital TU Dresden
Classification: Uncertain significance. Last evaluated: 2021-11-03. Review status: criteria provided, single submitter. Criteria: ACMG Guidelines, 2015. Collection method: clinical testing. Allele origin: germline.

GeneDx
Classification: Benign. Last evaluated: 2021-04-07. Review status: criteria provided, single submitter. Criteria: GeneDx Variant Classification Process June 2021. Collection method: clinical testing. Allele origin: germline. Affected: yes.
Comment: This variant is associated with the following publications: (PMID: 10363127, 9863590, 24728327, 30842500)

Sema4
Classification: Benign for Hereditary cancer-predisposing syndrome. Last evaluated: 2020-11-18. Review status: criteria provided, single submitter. Criteria: Sema4 Curation Guidelines. Collection method: curation. Allele origin: germline.

Ambry Genetics
Classification: Likely benign for Hereditary cancer-predisposing syndrome. Last evaluated: 2018-04-27. Review status: criteria provided, single submitter. Criteria: Ambry Variant Classification Scheme 2023. Collection method: clinical testing. Allele origin: germline.

Laboratory of Medical Genetics, National & Kapodistrian University of Athens
Classification: Uncertain significance for Tuberous sclerosis 1. Last evaluated: 2018-02-27. Review status: criteria provided, single submitter. Criteria: ACMG Guidelines, 2015. Collection method: clinical testing. Allele origin: de novo. Affected: yes.
Comment: PP3

Illumina Laboratory Services, Illumina
Classification: Benign for Isolated focal cortical dysplasia type II. Last evaluated: 2018-01-12. Review status: criteria provided, single submitter. Criteria: ICSL Variant Classification Criteria 13 December 2019. Collection method: clinical testing. Allele origin: germline.
Comment: This variant was observed in the ICSL laboratory as part of a predisposition screen in an ostensibly healthy population. It had not been previously curated by ICSL or reported in the Human Gene Mutation Database (HGMD: prior to June 1st, 2018), and was therefore a candidate for classification through an automated scoring system. Utilizing variant allele frequency, disease prevalence and penetrance estimates, and inheritance mode, an automated score was calculated to assess if this variant is too frequent to cause the disease. Based on the score and internal cut-off values, a variant classified as benign is not then subjected to further curation. The score for this variant resulted in a classification of benign for this disease.

Illumina Laboratory Services, Illumina
Classification: Likely benign for Tuberous sclerosis 1. Last evaluated: 2018-01-12. Review status: criteria provided, single submitter. Criteria: ICSL Variant Classification Criteria 13 December 2019. Collection method: clinical testing. Allele origin: germline.
Comment: This variant was observed in the ICSL laboratory as part of a predisposition screen in an ostensibly healthy population. It had not been previously curated by ICSL or reported in the Human Gene Mutation Database (HGMD: prior to June 1st, 2018), and was therefore a candidate for classification through an automated scoring system. Utilizing variant allele frequency, disease prevalence and penetrance estimates, and inheritance mode, an automated score was calculated to assess if this variant is too frequent to cause the disease. Based on the score and internal cut-off values, a variant classified as likely benign is not then subjected to further curation. The score for this variant resulted in a classification of likely benign for this disease.

Eurofins Ntd Llc (ga)
Classification: Uncertain significance. Last evaluated: 2015-06-30. Review status: criteria provided, single submitter. Criteria: EGL Classification Definitions 2015. Collection method: clinical testing. Allele origin: germline. Observed: 1 variant allele, 1 heterozygote.

PreventionGenetics, part of Exact Sciences
Classification: Likely benign for TSC1-related condition. Last evaluated: 2019-04-23. Review status: no assertion criteria provided. Collection method: clinical testing. Allele origin: germline. Not counted in ClinVar's aggregate classification.
Comment: This variant is classified as likely benign based on ACMG/AMP sequence variant interpretation guidelines (Richards et al. 2015 PMID: 25741868, with internal and published modifications).

ITMI
No classification provided. Condition: AllHighlyPenetrant. Last evaluated: 2013-09-19. Review status: no classification provided. Collection method: reference population. Allele origin: germline. Not counted in ClinVar's aggregate classification.
Comment: Please see associated publication for description of ethnicities

Clinical Genetics, Academic Medical Center
Classification: Likely benign. Review status: no assertion criteria provided. Collection method: clinical testing. Allele origin: germline. Affected: yes. Study: VKGL Data-share Consensus. Not counted in ClinVar's aggregate classification.

Genome Diagnostics Laboratory, Amsterdam University Medical Center
Classification: Likely benign. Review status: no assertion criteria provided. Collection method: clinical testing. Allele origin: germline. Affected: yes. Study: VKGL Data-share Consensus. Not counted in ClinVar's aggregate classification.

Tuberous sclerosis database (TSC1)
No classification provided. Condition: TSC. Review status: no classification provided. Criteria: Tuberous Sclerosis Database Assertion Criteria 2015. Collection method: curation. Allele origin: germline. Affected: yes. Not counted in ClinVar's aggregate classification.

Literature cited by the submitters: PubMed 9863590 (cited by 4 submitters); PubMed 24728327 (cited by ITMI).